The following is an entry in ClinVar:

NM_003244.4(TGIF1):c.238C>T (p.Leu80=)

Gene: TGIF1 (TGFB induced factor homeobox 1; plus strand). Cytogenetic location: 18p11.31.
Variant type: single nucleotide variant.
Coding change: c.238C>T on transcript NM_003244.4 (MANE Select); coding-DNA position 238, C replaced by T.
Protein change: p.Leu80=; no amino-acid change (leucine 80 retained).
Molecular consequence: synonymous variant.
Genome position (GRCh38, 1-based): chr18:3,456,575, C>T. VCF-style: chr18-3456575-C-T. GRCh37 (hg19) VCF-style: chr18-3456573-C-T.
Other names: c.247C>T, p.Leu83= (NM_001278682.2); c.238C>T, p.Leu80= (NM_001278684.2, NM_173208.3); c.178C>T, p.Leu60= (NM_001278686.3, NM_001374396.1, NM_001374397.1 and 5 more transcripts); c.280C>T, p.Leu94= (NM_173207.4).
Identifiers: ClinVar variation 3353981 (VCV003353981.3).

ClinVar aggregate classification (germline): Likely benign. Review status: criteria provided, single submitter (1 of 4 stars). 2 submissions from 2 submitters: Likely benign (1). 1 of the submissions does not count toward it. Last evaluated 2024-04-29.

Conditions:
TGIF1-related disorder. Also called: TGIF1-related condition.
Holoprosencephaly 4 (HPE4). Identifiers: Orphanet 2162, MedGen C1840528, MONDO:0007734, OMIM 142946.

gnomAD v4.1: 13 of 1,613,446 alleles (0.00081%); highest among the groups gnomAD compares: Admixed American, 0.02%; 1 homozygote.

Submissions (2):

Labcorp Genetics (formerly Invitae), Labcorp
Classification: Likely benign for Holoprosencephaly 4. Last evaluated: 2024-04-29. Review status: criteria provided, single submitter. Criteria: Invitae Variant Classification Sherloc (09022015). Collection method: clinical testing. Allele origin: germline.

PreventionGenetics, part of Exact Sciences
Classification: Likely benign for TGIF1-related condition. Last evaluated: 2019-11-12. Review status: no assertion criteria provided. Collection method: clinical testing. Allele origin: germline. Not counted in ClinVar's aggregate classification.
Comment: This variant is classified as likely benign based on ACMG/AMP sequence variant interpretation guidelines (Richards et al. 2015 PMID: 25741868, with internal and published modifications).